The following is an entry in ClinVar:

NM_001005242.3(PKP2):c.1794C>A (p.Asn598Lys)

Gene: PKP2 (plakophilin 2; minus strand). Cytogenetic location: 12p11.21.
Variant type: single nucleotide variant.
Coding change: c.1794C>A on transcript NM_001005242.3 (MANE Select); coding-DNA position 1794, C replaced by A.
Protein change: p.Asn598Lys; replaces asparagine 598 with lysine.
Molecular consequence: missense variant.
Genome position (GRCh38, 1-based): chr12:32,822,512, G>T on the plus strand (C>A on the coding strand, the complement: PKP2 is on the minus strand). VCF-style: chr12-32822512-G-T. GRCh37 (hg19) VCF-style: chr12-32975446-G-T.
Other names: c.1926C>A, p.Asn642Lys (NM_004572.4); short protein forms N642K, N598K.
Identifiers: ClinVar variation 164956 (VCV000164956.13), dbSNP rs727503370, ClinGen allele CA011564.

ClinVar aggregate classification (germline): Uncertain significance. Review status: criteria provided, multiple submitters, no conflicts (2 of 4 stars). 5 submissions from 5 submitters: Uncertain significance (5). Last evaluated 2026-01-11.

Conditions:
Cardiomyopathy (CMYO). Also called: Cardiomyopathies. Identifiers: Orphanet 167848, MedGen C0878544, MONDO:0004994, HP:0001638. Inheritance: Various modes of inheritance.
Arrhythmogenic right ventricular cardiomyopathy (ARVD). Also called: Arrhythmogenic cardiomyopathy; Arrhythmogenic Right Ventricular Cardiomyopathy (ARVC); Cardiomyopathy, ARVC; Arrhythmogenic right ventricular dysplasia. Identifiers: Orphanet 247, MedGen C0349788, MeSH D019571, MONDO:0016587. Disease mechanism: loss of function. Inheritance: Various modes of inheritance.
Arrhythmogenic right ventricular dysplasia 9 (ARVD9). Also called: Arrhythmogenic Right Ventricular Dysplasia/Cardiomyopathy 9; ARRHYTHMOGENIC RIGHT VENTRICULAR DYSPLASIA, FAMILIAL, 9. Identifiers: MedGen C1836906, MONDO:0012180, OMIM 609040.

Allele frequency attached by ClinVar (database versions not stated): ExAC 0.00001; gnomAD 0.00001; TOPMed 0.00003.
gnomAD v4.1: 4 of 1,613,826 alleles (0.00025%); highest among the groups gnomAD compares: East Asian, 0.0045%; no homozygotes.

Submissions (5):

Labcorp Genetics (formerly Invitae), Labcorp
Classification: Uncertain significance for Arrhythmogenic right ventricular dysplasia 9. Last evaluated: 2026-01-11. Review status: criteria provided, single submitter. Criteria: Invitae Variant Classification Sherloc (09022015). Collection method: clinical testing. Allele origin: germline.
Comment: This sequence change replaces asparagine, which is neutral and polar, with lysine, which is basic and polar, at codon 642 of the PKP2 protein (p.Asn642Lys). This variant is present in population databases (rs727503370, gnomAD 0.01%). This variant has not been reported in the literature in individuals affected with PKP2-related conditions. ClinVar contains an entry for this variant (Variation ID: 164956). An algorithm developed to predict the effect of missense changes on protein structure and function (PolyPhen-2) suggests that this variant is likely to be tolerated. In summary, the available evidence is currently insufficient to determine the role of this variant in disease. Therefore, it has been classified as a Variant of Uncertain Significance.

Color Diagnostics, LLC DBA Color Health
Classification: Uncertain significance for Cardiomyopathy. Last evaluated: 2024-03-06. Review status: criteria provided, single submitter. Criteria: ACMG Guidelines, 2015. Collection method: clinical testing. Allele origin: germline.
Comment: This missense variant replaces asparagine with lysine at codon 642 of the PKP2 protein. Computational prediction suggests that this variant may not impact protein structure and function (internally defined REVEL score threshold <= 0.5, PMID: 27666373). To our knowledge, functional studies have not been reported for this variant. This variant has not been reported in individuals affected with cardiovascular disorders in the literature. This variant has been identified in 2/251296 chromosomes in the general population by the Genome Aggregation Database (gnomAD). The available evidence is insufficient to determine the role of this variant in disease conclusively. Therefore, this variant is classified as a Variant of Uncertain Significance.

All of Us Research Program, National Institutes of Health
Classification: Uncertain significance for Arrhythmogenic right ventricular cardiomyopathy. Last evaluated: 2024-03-05. Review status: criteria provided, single submitter. Criteria: ACMG Guidelines, 2015. Collection method: clinical testing. Allele origin: germline. Inheritance: Autosomal dominant inheritance. Observed: 1 variant allele, 1 heterozygote.
Comment: This missense variant replaces asparagine with lysine at codon 642 of the PKP2 protein. Computational prediction tool suggests that this variant may not impact protein structure and function (internally defined REVEL score threshold <=0.5, PMID: 27666373). Splice site prediction tools suggest that this variant may not impact RNA splicing. To our knowledge, functional studies have not been performed for this variant. This variant has not been reported in individuals affected with cardiovascular disorders in the literature. This variant has been identified in 2/251296 chromosomes in the general population by the Genome Aggregation Database (gnomAD). The available evidence is insufficient to determine the role of this variant in disease conclusively. Therefore, this variant is classified as a Variant of Uncertain Significance.

This study involves interpretation of variants in research participants for the purpose of population health screening. Participant phenotype was not available at the time of variant classification. Additional details can be found in publication PMID: 35346344, PMCID: PMC8962531

Fulgent Genetics
Classification: Uncertain significance for Arrhythmogenic right ventricular dysplasia 9. Last evaluated: 2021-11-05. Review status: criteria provided, single submitter. Criteria: ACMG Guidelines, 2015. Collection method: clinical testing. Allele origin: unknown.

Laboratory for Molecular Medicine, Mass General Brigham Personalized Medicine
Classification: Uncertain significance. Last evaluated: 2015-10-01. Review status: criteria provided, single submitter. Criteria: LMM Criteria. Collection method: clinical testing. Allele origin: germline. Observed: 1 variant allele.
Comment: The p.Asn642Lys variant in PKP2 has not been previously reported in individuals with cardiomyopathy but has been identified in 1/8644 East Asian chromosomes by the Exome Aggregation Consortium (ExAC). Computa tional prediction tools and conservation analysis suggest this variant may not i mpact the protein, though this information is not predictive enough to rule out pathogenicity. In summary, the clinical significance of the p.Asn642Lys variant is uncertain.